The following is an entry in ClinVar:

ClinVar aggregate classification (germline): Uncertain significance (1 of 4 stars; one submission).

Submission:

CeGaT Center for Human Genetics Tuebingen
Classification: Uncertain significance. Last evaluated: 2024-12-01. Review status: criteria provided, single submitter. Criteria: CeGaT Center For Human Genetics Tuebingen Variant Classification Criteria Version 2. Collection method: clinical testing. Allele origin: germline. Affected: yes. Observed: 1 variant allele.
Comment: VPS35: PM2

NM_018206.6(VPS35):c.1090G>T (p.Asp364Tyr)

Gene: VPS35 (VPS35 retromer complex component; minus strand). Cytogenetic location: 16q11.2.
Variant type: single nucleotide variant.
Coding change: c.1090G>T on transcript NM_018206.6 (MANE Select); coding-DNA position 1090, G replaced by T.
Protein change: p.Asp364Tyr; replaces aspartic acid 364 with tyrosine.
Molecular consequence: missense variant.
Genome position (GRCh38, 1-based): chr16:46,674,384, C>A on the plus strand (G>T on the coding strand, the complement: VPS35 is on the minus strand). VCF-style: chr16-46674384-C-A. GRCh37 (hg19) VCF-style: chr16-46708296-C-A.
Other names: short protein forms D364Y.
Identifiers: ClinVar variation 3771401 (VCV003771401.13).
Genomic context (GRCh38, chr16:46,674,384, plus strand): 5'-TGAGCTTATTGAATATCTCCACTGTTGTTTCTAGAACTTTATCAACATAGTCCACACGAT[C>A]AGGGTAACATTTCATGGCAAGATTAATCAGAGAGACTTGTAAAGATACAACATCCTCTGA-3'
Protein context (NP_060676.2, residues 354-374): LINLAMKCYP[Asp364Tyr]RVDYVDKVLE